The following is an entry in ClinVar:

NM_001382391.1(CSPP1):c.958A>G (p.Met320Val)

Gene: CSPP1 (centrosome and spindle pole associated protein 1; plus strand). Cytogenetic location: 8q13.2.
Variant type: single nucleotide variant.
Coding change: c.958A>G on transcript NM_001382391.1 (MANE Select); coding-DNA position 958, A replaced by G.
Protein change: p.Met320Val; replaces methionine 320 with valine.
Molecular consequence: missense variant. On other transcripts: intron variant (1).
Genome position (GRCh38, 1-based): chr8:67,103,071, A>G. VCF-style: chr8-67103071-A-G. GRCh37 (hg19) VCF-style: chr8-68015306-A-G.
Other names: c.103A>G, p.Met35Val (NM_001291339.2); c.877A>G, p.Met293Val (NM_001363131.2, NM_001363133.2); c.958A>G, p.Met320Val (NM_001363132.2); c.1066A>G, p.Met356Val (NM_001364869.1); c.985A>G, p.Met329Val (NM_024790.7); c.951-2834A>G (NM_001364870.1); short protein forms M293V, M320V, M329V, M356V, M35V.
Identifiers: ClinVar variation 1060517 (VCV001060517.9), dbSNP rs775759544, ClinGen allele CA4770399.

ClinVar aggregate classification (germline): Conflicting classifications of pathogenicity. Review status: criteria provided, conflicting classifications (1 of 4 stars). 3 submissions from 3 submitters: Uncertain significance (2); Likely benign (1). Last evaluated 2024-10-28.

Conditions:
Inborn genetic diseases. Identifiers: MedGen C0950123, MeSH D030342.
Joubert syndrome 21 (JBTS21). Identifiers: MedGen C3810212, MONDO:0014288, OMIM 615636.

Allele frequency attached by ClinVar (database versions not stated): gnomAD exomes 0.00003 and 0.00014; gnomAD 0.00006 and 0.00007; TOPMed 0.00006; ExAC 0.00012.
gnomAD v4.1: 60 of 1,611,632 alleles (0.0037%); highest among the groups gnomAD compares: East Asian, 0.071%; no homozygotes.

Submissions (3):

Labcorp Genetics (formerly Invitae), Labcorp
Classification: Uncertain significance for Joubert syndrome 21. Last evaluated: 2024-10-28. Review status: criteria provided, single submitter. Criteria: Invitae Variant Classification Sherloc (09022015). Collection method: clinical testing. Allele origin: germline.
Comment: This sequence change replaces methionine, which is neutral and non-polar, with valine, which is neutral and non-polar, at codon 329 of the CSPP1 protein (p.Met329Val). This variant is present in population databases (rs775759544, gnomAD 0.2%). This variant has not been reported in the literature in individuals affected with CSPP1-related conditions. ClinVar contains an entry for this variant (Variation ID: 1060517). An algorithm developed to predict the effect of missense changes on protein structure and function outputs the following: PolyPhen-2: "Benign". The valine amino acid residue is found in multiple mammalian species, which suggests that this missense change does not adversely affect protein function. In summary, the available evidence is currently insufficient to determine the role of this variant in disease. Therefore, it has been classified as a Variant of Uncertain Significance.

Fulgent Genetics
Classification: Uncertain significance for Joubert syndrome 21. Last evaluated: 2024-05-21. Review status: criteria provided, single submitter. Criteria: ACMG Guidelines, 2015. Collection method: clinical testing. Allele origin: germline.

Ambry Genetics
Classification: Likely benign for Inborn genetic diseases. Last evaluated: 2021-11-29. Review status: criteria provided, single submitter. Criteria: Ambry Variant Classification Scheme 2023. Collection method: clinical testing. Allele origin: germline.